The following is an entry in ClinVar:

ClinVar aggregate classification (germline): Pathogenic (1 of 4 stars; one submission).

Conditions:
Alstrom syndrome (ALMS). Identifiers: Orphanet 64, MedGen C0268425, MONDO:0008763, OMIM 203800.

Submission:

Labcorp Genetics (formerly Invitae), Labcorp
Classification: Pathogenic for Alstrom syndrome. Last evaluated: 2020-10-02. Review status: criteria provided, single submitter. Criteria: Invitae Variant Classification Sherloc (09022015). Collection method: clinical testing. Allele origin: germline.
Comment: This variant has not been reported in the literature in individuals with ALMS1-related conditions. This sequence change creates a premature translational stop signal (p.Tyr3279*) in the ALMS1 gene. It is expected to result in an absent or disrupted protein product. This variant is not present in population databases (ExAC no frequency). Loss-of-function variants in ALMS1 are known to be pathogenic (PMID: 17594715). For these reasons, this variant has been classified as Pathogenic.

Literature cited by the submitters: PubMed 17594715.

NM_001378454.1(ALMS1):c.9834T>A (p.Tyr3278Ter)

Gene: ALMS1 (ALMS1 centrosome and basal body associated protein; plus strand). Cytogenetic location: 2p13.1.
Variant type: single nucleotide variant.
Coding change: c.9834T>A on transcript NM_001378454.1 (MANE Select); coding-DNA position 9834, T replaced by A.
Protein change: p.Tyr3278Ter; replaces tyrosine 3278 with a stop codon.
Molecular consequence: nonsense.
Genome position (GRCh38, 1-based): chr2:73,534,876, T>A. VCF-style: chr2-73534876-T-A. GRCh37 (hg19) VCF-style: chr2-73762003-T-A.
Other names: c.9837T>A, p.Tyr3279Ter (NM_015120.4); short protein forms Y3278*, Y3279*.
Identifiers: ClinVar variation 1076737 (VCV001076737.7), dbSNP rs1573000972, ClinGen allele CA347263660.